The following is an entry in ClinVar:

NM_000059.4(BRCA2):c.5625G>T (p.Lys1875Asn)

Gene: BRCA2 (BRCA2 DNA repair associated; plus strand). Cytogenetic location: 13q13.1.
Variant type: single nucleotide variant.
Coding change: c.5625G>T on transcript NM_000059.4 (MANE Select); coding-DNA position 5625, G replaced by T.
Protein change: p.Lys1875Asn; replaces lysine 1875 with asparagine.
Molecular consequence: missense variant.
Genome position (GRCh38, 1-based): chr13:32,339,980, G>T. VCF-style: chr13-32339980-G-T. GRCh37 (hg19) VCF-style: chr13-32914117-G-T.
Other names: short protein forms K1875N.
Identifiers: ClinVar variation 438990 (VCV000438990.26), dbSNP rs1316343192, ClinGen allele CA387786114.
Genomic context (GRCh38, chr13:32,339,980, plus strand): 5'-ACATGAAACAATTAAAAAAGTGAAAGACATATTTACAGACAGTTTCAGTAAAGTAATTAA[G>T]GAAAACAACGAGAATAAATCAAAAATTTGCCAAACGAAAATTATGGCAGGTTGTTACGAG-3'
Protein context (NP_000050.3, residues 1865-1885): IFTDSFSKVI[Lys1875Asn]ENNENKSKIC

ClinVar aggregate classification (germline): Conflicting classifications of pathogenicity. Review status: criteria provided, conflicting classifications (1 of 4 stars). 8 submissions from 8 submitters: Uncertain significance (6); Likely benign (2). Last evaluated 2025-11-03.

Conditions:
Hereditary cancer-predisposing syndrome. Also called: Hereditary Cancer Syndrome; Tumor predisposition; Hereditary neoplastic syndrome; Neoplastic Syndromes, Hereditary. Identifiers: Orphanet 140162, MedGen C0027672, MeSH D009386, MONDO:0015356.
Hereditary breast ovarian cancer syndrome. Also called: Hereditary breast and/or ovarian cancer syndrome; BRCA1- and BRCA2-Associated Hereditary Breast and Ovarian Cancer; Hereditary breast and ovarian cancer syndrome (HBOC); Hereditary breast and ovarian cancer syndrome; Breast and ovarian cancer; Hereditary breast and ovarian cancer. Identifiers: Orphanet 145, MedGen C0677776, MeSH D061325, MONDO:0003582. Disease mechanism: loss of function.

Allele frequency attached by ClinVar (database versions not stated): gnomAD exomes 0.00001 and below 0.00001; TOPMed below 0.00001.
gnomAD v4.1: 7 of 1,611,132 alleles (0.00043%); highest among the groups gnomAD compares: Non-Finnish European, 0.00059%; no homozygotes.

Submissions (8):

Labcorp Genetics (formerly Invitae), Labcorp
Classification: Uncertain significance for Hereditary breast ovarian cancer syndrome. Last evaluated: 2025-11-03. Review status: criteria provided, single submitter. Criteria: Invitae Variant Classification Sherloc (09022015). Collection method: clinical testing. Allele origin: germline.
Comment: This sequence change replaces lysine, which is basic and polar, with asparagine, which is neutral and polar, at codon 1875 of the BRCA2 protein (p.Lys1875Asn). This variant is present in population databases (no rsID available, gnomAD 0.0009%). This missense change has been observed in individual(s) with breast cancer (PMID: 25186627). ClinVar contains an entry for this variant (Variation ID: 438990). Invitae Evidence Modeling of protein sequence and biophysical properties (such as structural, functional, and spatial information, amino acid conservation, physicochemical variation, residue mobility, and thermodynamic stability) indicates that this missense variant is not expected to disrupt BRCA2 protein function with a negative predictive value of 95%. In summary, the available evidence is currently insufficient to determine the role of this variant in disease. Therefore, it has been classified as a Variant of Uncertain Significance.

GeneDx
Classification: Uncertain significance. Last evaluated: 2025-05-12. Review status: criteria provided, single submitter. Criteria: GeneDx Variant Classification Process June 2021. Collection method: clinical testing. Allele origin: germline.
Comment: Observed in individuals with breast cancer (PMID: 25186627, 29416040); Not observed at significant frequency in large population cohorts (gnomAD); In silico analysis supports that this missense variant has a deleterious effect on protein structure/function; Also known as 5853G>T; This variant is associated with the following publications: (PMID: 29416040, 33471991, 29884841, 32377563, 25186627, 31911673)

Center for Genomic Medicine, Rigshospitalet, Copenhagen University Hospital
Classification: Likely benign. Last evaluated: 2025-03-04. Review status: criteria provided, single submitter. Criteria: ACMG Guidelines, 2015. Collection method: clinical testing. Allele origin: germline.

Ambry Genetics
Classification: Uncertain significance for Hereditary cancer-predisposing syndrome. Last evaluated: 2024-08-20. Review status: criteria provided, single submitter. Criteria: Ambry Variant Classification Scheme 2023. Collection method: clinical testing. Allele origin: germline.
Comment: The p.K1875N variant (also known as c.5625G>T), located in coding exon 10 of the BRCA2 gene, results from a G to T substitution at nucleotide position 5625. The lysine at codon 1875 is replaced by asparagine, an amino acid with similar properties. (Tung N et al. Cancer, 2015 Jan;121:25-33). This amino acid position is not well conserved in available vertebrate species. In addition, this alteration is predicted to be tolerated by in silico analysis. Since supporting evidence is limited at this time, the clinical significance of this alteration remains unclear.

Color Diagnostics, LLC DBA Color Health
Classification: Uncertain significance for Hereditary cancer-predisposing syndrome. Last evaluated: 2023-09-05. Review status: criteria provided, single submitter. Criteria: ACMG Guidelines, 2015. Collection method: clinical testing. Allele origin: germline.
Comment: This missense variant replaces lysine with asparagine at codon 1875 of the BRCA2 protein. Computational prediction suggests that this variant may not impact protein structure and function (internally defined REVEL score threshold <= 0.5, PMID: 27666373). To our knowledge, functional studies have not been reported for this variant. This variant has been reported in individuals affected with breast cancer (PMID: 25186627, 33471991; Leiden Open Variation Database DB-ID BRCA2_008356). This variant has been identified in 1/247762 chromosomes in the general population by the Genome Aggregation Database (gnomAD). The available evidence is insufficient to determine the role of this variant in disease conclusively. Therefore, this variant is classified as a Variant of Uncertain Significance.

University of Washington Department of Laboratory Medicine, University of Washington
Classification: Likely benign for Hereditary cancer-predisposing syndrome. Last evaluated: 2023-03-23. Review status: criteria provided, single submitter. Criteria: Dines et al. (Genet Med. 2020). Collection method: curation. Allele origin: germline.
Comment: Missense variant in a coldspot region where missense variants are very unlikely to be pathogenic (PMID:31911673).

BRCA2 exon 11 coldspot. Reclassification based on statistical prior probability.

Women's Health and Genetics/Laboratory Corporation of America, LabCorp
Classification: Uncertain significance. Last evaluated: 2022-11-14. Review status: criteria provided, single submitter. Criteria: LabCorp Variant Classification Summary - May 2015. Collection method: clinical testing. Allele origin: germline.
Comment: Variant summary: BRCA2 c.5625G>T (p.Lys1875Asn) results in a non-conservative amino acid change in the encoded protein sequence. Four of five in-silico tools predict a benign effect of the variant on protein function. The variant allele was found at a frequency of 4e-06 in 247762 control chromosomes (gnomAD). The available data on variant occurrences in the general population are insufficient to allow any conclusion about variant significance. c.5625G>T has been reported in the literature in at least one individual affected with Breast Cancer (Tung_2015). This report does not provide unequivocal conclusions about association of the variant with Hereditary Breast And Ovarian Cancer Syndrome. To our knowledge, no experimental evidence demonstrating an impact on protein function has been reported. Four clinical diagnostic laboratories have submitted clinical-significance assessments for this variant to ClinVar after 2014. All laboratories classified the variant as uncertain significance. Based on the evidence outlined above, the variant was classified as uncertain significance.

Quest Diagnostics Nichols Institute San Juan Capistrano
Classification: Uncertain significance. Last evaluated: 2019-05-30. Review status: criteria provided, single submitter. Criteria: Quest Diagnostics criteria. Collection method: clinical testing. Allele origin: germline.

Literature cited by the submitters: PubMed 25186627 (cited by 4 submitters); PubMed 33471991 (cited by Color Diagnostics, LLC DBA Color Health); PubMed 29416040 (cited by Women's Health and Genetics/Laboratory Corporation of America, LabCorp).